The following is an entry in ClinVar:

NM_024589.3(ROGDI):c.507C>T (p.Pro169=)

Gene: ROGDI (rogdi atypical leucine zipper; minus strand). Cytogenetic location: 16p13.3.
Variant type: single nucleotide variant.
Coding change: c.507C>T on transcript NM_024589.3 (MANE Select); coding-DNA position 507, C replaced by T.
Protein change: p.Pro169=; no amino-acid change (proline 169 retained).
Molecular consequence: synonymous variant. On other transcripts: non-coding transcript variant (1).
Genome position (GRCh38, 1-based): chr16:4,798,593, G>A on the plus strand (C>T on the coding strand, the complement: ROGDI is on the minus strand). VCF-style: chr16-4798593-G-A. GRCh37 (hg19) VCF-style: chr16-4848594-G-A.
Identifiers: ClinVar variation 888240 (VCV000888240.32), dbSNP rs767771299, ClinGen allele CA7882689.

ClinVar aggregate classification (germline): Conflicting classifications of pathogenicity. Review status: criteria provided, conflicting classifications (1 of 4 stars). 3 submissions from 3 submitters: Uncertain significance (1); Likely benign (2). Last evaluated 2023-07-17.

Conditions:
Amelocerebrohypohidrotic syndrome (KTZS). Also called: KOHLSCHUTTER SYNDROME; Kohlschutter's syndrome; EPILEPSY AND YELLOW TEETH; EPILEPSY, DEMENTIA, AND AMELOGENESIS IMPERFECTA. Identifiers: Orphanet 1946, MedGen C0406740, MONDO:0009185, OMIM 226750.

Allele frequency attached by ClinVar (database versions not stated): TOPMed below 0.00001; gnomAD exomes 0.00001; ExAC 0.00003.
gnomAD v4.1: 5 of 1,570,250 alleles (0.00032%); highest among the groups gnomAD compares: Admixed American, 0.0019%; no homozygotes.

Submissions (3):

Labcorp Genetics (formerly Invitae), Labcorp
Classification: Likely benign for Amelocerebrohypohidrotic syndrome. Last evaluated: 2023-07-17. Review status: criteria provided, single submitter. Criteria: Invitae Variant Classification Sherloc (09022015). Collection method: clinical testing. Allele origin: germline.

CeGaT Center for Human Genetics Tuebingen
Classification: Likely benign. Last evaluated: 2023-02-01. Review status: criteria provided, single submitter. Criteria: CeGaT Center For Human Genetics Tuebingen Variant Classification Criteria Version 2. Collection method: clinical testing. Allele origin: germline. Affected: yes. Observed: 1 variant allele.
Comment: ROGDI: BP4, BP7

Illumina Laboratory Services, Illumina
Classification: Uncertain significance for Kohlschutter syndrome. Last evaluated: 2018-01-12. Review status: criteria provided, single submitter. Criteria: ICSL Variant Classification Criteria 13 December 2019. Collection method: clinical testing. Allele origin: germline.